The following is an entry in ClinVar:

ClinVar aggregate classification (germline): Uncertain significance (1 of 4 stars; one submission).

Conditions:
Lethal congenital glycogen storage disease of heart. Also called: GLYCOGEN STORAGE DISEASE OF HEART; PHOSPHORYLASE KINASE DEFICIENCY OF HEART. Identifiers: Orphanet 439854, MedGen C1849813, MONDO:0009867, OMIM 261740.

Submission:

Labcorp Genetics (formerly Invitae), Labcorp
Classification: Uncertain significance for Lethal congenital glycogen storage disease of heart. Last evaluated: 2018-05-15. Review status: criteria provided, single submitter. Criteria: Invitae Variant Classification Sherloc (09022015). Collection method: clinical testing. Allele origin: germline.
Comment: This sequence change replaces isoleucine with phenylalanine at codon 555 of the PRKAG2 protein (p.Ile555Phe). The isoleucine residue is weakly conserved and there is a small physicochemical difference between isoleucine and phenylalanine. In summary, the available evidence is currently insufficient to determine the role of this variant in disease. Therefore, it has been classified as a Variant of Uncertain Significance. Algorithms developed to predict the effect of missense changes on protein structure and function are either unavailable or do not agree on the potential impact of this missense change (SIFT: "Deleterious"; PolyPhen-2: "Benign"; Align-GVGD: "Class C0"). This variant has not been reported in the literature in individuals with PRKAG2-related disease. This variant is not present in population databases (ExAC no frequency).

NM_016203.4(PRKAG2):c.1663A>T (p.Ile555Phe)

Gene: PRKAG2 (protein kinase AMP-activated non-catalytic subunit gamma 2; minus strand). Cytogenetic location: 7q36.1.
Variant type: single nucleotide variant.
Coding change: c.1663A>T on transcript NM_016203.4 (MANE Select); coding-DNA position 1663, A replaced by T.
Protein change: p.Ile555Phe; replaces isoleucine 555 with phenylalanine.
Molecular consequence: missense variant.
Genome position (GRCh38, 1-based): chr7:151,560,539, T>A on the plus strand (A>T on the coding strand, the complement: PRKAG2 is on the minus strand). VCF-style: chr7-151560539-T-A. GRCh37 (hg19) VCF-style: chr7-151257625-T-A.
Other names: c.1531A>T, p.Ile511Phe (NM_001040633.2); c.1288A>T, p.Ile430Phe (NM_001304527.2); c.940A>T, p.Ile314Phe (NM_001304531.2, NM_024429.2); c.1291A>T, p.Ile431Phe (NM_001363698.2); short protein forms I555F, I431F, I314F, I511F, I430F.
Identifiers: ClinVar variation 572811 (VCV000572811.8), dbSNP rs1563131128, ClinGen allele CA370070259.